The following is an entry in ClinVar:

ClinVar aggregate classification (germline): Uncertain significance (1 of 4 stars; one submission).

Submission:

CeGaT Center for Human Genetics Tuebingen
Classification: Uncertain significance. Last evaluated: 2026-05-01. Review status: criteria provided, single submitter. Criteria: CeGaT Center For Human Genetics Tuebingen Variant Classification Criteria Version 2. Collection method: clinical testing. Allele origin: germline. Affected: yes. Observed: 1 variant allele.
Comment: RANBP2: PM2

NM_006267.5(RANBP2):c.6362A>G (p.Gln2121Arg)

Gene: RANBP2 (RAN binding protein 2; plus strand). Cytogenetic location: 2q13.
Variant type: single nucleotide variant.
Coding change: c.6362A>G on transcript NM_006267.5 (MANE Select); coding-DNA position 6362, A replaced by G.
Protein change: p.Gln2121Arg; replaces glutamine 2121 with arginine.
Molecular consequence: missense variant.
Genome position (GRCh38, 1-based): chr2:108,766,901, A>G. VCF-style: chr2-108766901-A-G. GRCh37 (hg19) VCF-style: chr2-109383357-A-G.
Other names: c.6362A>G, p.Gln2121Arg (NM_001415871.1, NM_001415873.1); c.6359A>G, p.Gln2120Arg (NM_001415872.1); short protein forms Q2120R, Q2121R.
Identifiers: ClinVar variation 4872977 (VCV004872977.2).
Genomic context (GRCh38, chr2:108,766,901, plus strand): 5'-CAGATAGAGCATGGATGTGGTTAGCCAGTGATTTCTCTGATGGTGATGCCAAACTAGAGC[A>G]GTTGGCAGCAAAATTTAAAACACCAGAGCTGGCTGAAGAATTCAAGCAGAAATTTGAGGA-3'
Protein context (NP_006258.3, residues 2111-2131): DFSDGDAKLE[Gln2121Arg]LAAKFKTPEL